The following is an entry in ClinVar:

ClinVar aggregate classification (germline): Uncertain significance. Review status: criteria provided, multiple submitters, no conflicts (2 of 4 stars). 2 submissions from 2 submitters: Uncertain significance (2). Last evaluated 2025-01-22.

Conditions:
Autosomal recessive osteopetrosis 4. Also called: CLCN7-Related Osteopetrosis; infantile malignant CLCN7-related recessive osteopetrosis. Identifiers: Orphanet 667, MedGen C1969106, MONDO:0012676, OMIM 611490.
Inborn genetic diseases. Identifiers: MedGen C0950123, MeSH D030342.

Allele frequency attached by ClinVar (database versions not stated): gnomAD exomes below 0.00001; gnomAD 0.00001; 1000 Genomes Project 30x 0.00016; 1000 Genomes Project 0.00020.
gnomAD v4.1: 7 of 1,554,774 alleles (0.00045%); highest among the groups gnomAD compares: East Asian, 0.0024%; no homozygotes.

Submissions (2):

Ambry Genetics
Classification: Uncertain significance for Inborn genetic diseases. Last evaluated: 2025-01-22. Review status: criteria provided, single submitter. Criteria: Ambry Variant Classification Scheme 2023. Collection method: clinical testing. Allele origin: germline.

Neuberg Centre For Genomic Medicine, NCGM
Classification: Uncertain significance for Autosomal recessive osteopetrosis 4. Review status: criteria provided, single submitter. Criteria: ACMG Guidelines, 2015. Collection method: clinical testing. Allele origin: germline. Affected: yes.
Comment: The missense variant p.V305M in CLCN7 (NM_001287.6) has not been reported previously as a pathogenic variant nor as a benign variant, to our knowledge.The p.V305M variant occurs in one individual in a heterozygous genotype state in gnomAD Exomes and in one individual in a heterozygous genotype state in 1000 Genomes. However the variant has been flagged in the gnomAD database as not representing the true frequency. The p.V305M missense variant is predicted to be damaging by both SIFT and PolyPhen2. The valine residue at codon 305 of CLCN7 is conserved in all mammalian species. The nucleotide c.913 in CLCN7 is predicted conserved by GERP++ and PhyloP across 100 vertebrates. For these reasons, this variant has been classified as Uncertain Significance.

NM_001287.6(CLCN7):c.913G>A (p.Val305Met)

Gene: CLCN7 (Cl-/H+ antiporter 7; minus strand). Cytogenetic location: 16p13.3.
Variant type: single nucleotide variant.
Coding change: c.913G>A on transcript NM_001287.6 (MANE Select); coding-DNA position 913, G replaced by A.
Protein change: p.Val305Met; replaces valine 305 with methionine.
Molecular consequence: missense variant.
Genome position (GRCh38, 1-based): chr16:1,456,116, C>T on the plus strand (G>A on the coding strand, the complement: CLCN7 is on the minus strand). VCF-style: chr16-1456116-C-T. GRCh37 (hg19) VCF-style: chr16-1506117-C-T.
Other names: c.841G>A, p.Val281Met (NM_001114331.3); c.913G>A (NM_001287.4); short protein forms V281M, V305M.
Identifiers: ClinVar variation 1339039 (VCV001339039.3), dbSNP rs558354107, ClinGen allele CA276677938.